The following is an entry in ClinVar:

ClinVar aggregate classification (germline): Uncertain significance. Review status: criteria provided, multiple submitters, no conflicts (2 of 4 stars). 2 submissions from 2 submitters: Uncertain significance (2). Last evaluated 2022-07-30.

Conditions:
Hereditary cancer-predisposing syndrome. Also called: Neoplastic Syndromes, Hereditary; Tumor predisposition; Hereditary Cancer Syndrome; Hereditary neoplastic syndrome. Identifiers: Orphanet 140162, MedGen C0027672, MeSH D009386, MONDO:0015356.
Oligodontia-cancer predisposition syndrome. Also called: TOOTH AGENESIS-COLORECTAL CANCER SYNDROME. Identifiers: Orphanet 300576, MedGen C1837750, MONDO:0012075, OMIM 608615. Disease mechanism: loss of function.

Submissions (2):

Labcorp Genetics (formerly Invitae), Labcorp
Classification: Uncertain significance for Oligodontia-cancer predisposition syndrome. Last evaluated: 2022-07-30. Review status: criteria provided, single submitter. Criteria: Invitae Variant Classification Sherloc (09022015). Collection method: clinical testing. Allele origin: germline.
Comment: In summary, the available evidence is currently insufficient to determine the role of this variant in disease. Therefore, it has been classified as a Variant of Uncertain Significance. Algorithms developed to predict the effect of missense changes on protein structure and function (SIFT, PolyPhen-2, Align-GVGD) all suggest that this variant is likely to be tolerated. This variant has not been reported in the literature in individuals affected with AXIN2-related conditions. This variant is not present in population databases (gnomAD no frequency). This sequence change replaces serine, which is neutral and polar, with alanine, which is neutral and non-polar, at codon 648 of the AXIN2 protein (p.Ser648Ala).

Ambry Genetics
Classification: Uncertain significance for Hereditary cancer-predisposing syndrome. Last evaluated: 2022-01-13. Review status: criteria provided, single submitter. Criteria: Ambry Variant Classification Scheme 2023. Collection method: clinical testing. Allele origin: germline.
Comment: The p.S648A variant (also known as c.1942T>G), located in coding exon 7 of the AXIN2 gene, results from a T to G substitution at nucleotide position 1942. The serine at codon 648 is replaced by alanine, an amino acid with similar properties. This amino acid position is not well conserved in available vertebrate species. In addition, this alteration is predicted to be tolerated by in silico analysis. Since supporting evidence is limited at this time, the clinical significance of this alteration remains unclear.

NM_004655.4(AXIN2):c.1942T>G (p.Ser648Ala)

Gene: AXIN2 (axin 2; minus strand). Cytogenetic location: 17q24.1.
Variant type: single nucleotide variant.
Coding change: c.1942T>G on transcript NM_004655.4 (MANE Select); coding-DNA position 1942, T replaced by G.
Protein change: p.Ser648Ala; replaces serine 648 with alanine.
Molecular consequence: missense variant.
Genome position (GRCh38, 1-based): chr17:65,536,519, A>C on the plus strand (T>G on the coding strand, the complement: AXIN2 is on the minus strand). VCF-style: chr17-65536519-A-C. GRCh37 (hg19) VCF-style: chr17-63532637-A-C.
Other names: c.1747T>G, p.Ser583Ala (NM_001363813.1); short protein forms S648A, S583A.
Identifiers: ClinVar variation 1783079 (VCV001783079.7), dbSNP rs2144443801, ClinGen allele CA400676285.